The following is an entry in ClinVar:

NM_000642.3(AGL):c.3634A>T (p.Met1212Leu)

Gene: AGL (amylo-alpha-1,6-glucosidase and 4-alpha-glucanotransferase; plus strand). Cytogenetic location: 1p21.2.
Variant type: single nucleotide variant.
Coding change: c.3634A>T on transcript NM_000642.3 (MANE Select); coding-DNA position 3634, A replaced by T.
Protein change: p.Met1212Leu; replaces methionine 1212 with leucine.
Molecular consequence: missense variant.
Genome position (GRCh38, 1-based): chr1:99,902,728, A>T. VCF-style: chr1-99902728-A-T. GRCh37 (hg19) VCF-style: chr1-100368284-A-T.
Other names: c.3634A>T, p.Met1212Leu (NM_000028.3, NM_000643.3, NM_000644.3 and 1 more transcripts); c.3586A>T, p.Met1196Leu (NM_000646.3); c.3613A>T, p.Met1205Leu (NM_001425326.1); c.3433A>T, p.Met1145Leu (NM_001425327.1); c.3430A>T, p.Met1144Leu (NM_001425328.1); c.3295A>T, p.Met1099Leu (NM_001425329.1); c.3256A>T, p.Met1086Leu (NM_001425332.1); short protein forms M1196L, M1212L, M1086L, M1099L, M1144L, M1145L, M1205L.
Identifiers: ClinVar variation 863282 (VCV000863282.12), dbSNP rs1653939546, ClinGen allele CA341334655.

ClinVar aggregate classification (germline): Uncertain significance. Review status: criteria provided, multiple submitters, no conflicts (2 of 4 stars). 3 submissions from 3 submitters: Uncertain significance (2). 1 of the submissions does not count toward it. Last evaluated 2025-08-26.

Conditions:
Inborn genetic diseases. Identifiers: MedGen C0950123, MeSH D030342.
Glycogen storage disease type III (GSD3). Also called: Cori disease; FORBES DISEASE. Identifiers: Orphanet 366, MedGen C0017922, MONDO:0009291, OMIM 232400.

Submissions (3):

Ambry Genetics
Classification: Uncertain significance for Inborn genetic diseases. Last evaluated: 2025-08-26. Review status: criteria provided, single submitter. Criteria: Ambry Variant Classification Scheme 2023. Collection method: clinical testing. Allele origin: germline.

Labcorp Genetics (formerly Invitae), Labcorp
Classification: Uncertain significance for Glycogen storage disease type III. Last evaluated: 2021-08-26. Review status: criteria provided, single submitter. Criteria: Invitae Variant Classification Sherloc (09022015). Collection method: clinical testing. Allele origin: germline.
Comment: This sequence change replaces methionine with leucine at codon 1212 of the AGL protein (p.Met1212Leu). The methionine residue is weakly conserved and there is a small physicochemical difference between methionine and leucine. This variant is not present in population databases (ExAC no frequency). This variant has not been reported in the literature in individuals affected with AGL-related conditions. Algorithms developed to predict the effect of missense changes on protein structure and function output the following: SIFT: "Tolerated"; PolyPhen-2: "Benign"; Align-GVGD: "Class C0". The leucine amino acid residue is found in multiple mammalian species, which suggests that this missense change does not adversely affect protein function. In summary, the available evidence is currently insufficient to determine the role of this variant in disease. Therefore, it has been classified as a Variant of Uncertain Significance.

Natera, Inc.
Classification: Uncertain significance for Glycogen storage disease type III. Last evaluated: 2020-02-26. Review status: no assertion criteria provided. Collection method: clinical testing. Allele origin: germline. Not counted in ClinVar's aggregate classification.